The following is an entry in ClinVar:

ClinVar aggregate classification (germline): Uncertain significance (1 of 4 stars; one submission).

Submission:

GeneDx
Classification: Uncertain significance. Last evaluated: 2022-11-22. Review status: criteria provided, single submitter. Criteria: GeneDx Variant Classification Process June 2021. Collection method: clinical testing. Allele origin: germline. Affected: yes.
Comment: Not observed at significant frequency in large population cohorts (gnomAD); In silico analysis supports that this missense variant has a deleterious effect on protein structure/function; Has not been previously published as pathogenic or benign to our knowledge

NM_000834.5(GRIN2B):c.2972C>T (p.Pro991Leu)

Gene: GRIN2B (glutamate ionotropic receptor NMDA type subunit 2B; minus strand). Cytogenetic location: 12p13.1.
Variant type: single nucleotide variant.
Coding change: c.2972C>T on transcript NM_000834.5 (MANE Select); coding-DNA position 2972, C replaced by T.
Protein change: p.Pro991Leu; replaces proline 991 with leucine.
Molecular consequence: missense variant.
Genome position (GRCh38, 1-based): chr12:13,564,266, G>A on the plus strand (C>T on the coding strand, the complement: GRIN2B is on the minus strand). VCF-style: chr12-13564266-G-A. GRCh37 (hg19) VCF-style: chr12-13717200-G-A.
Other names: c.2972C>T, p.Pro991Leu (NM_001413992.1); short protein forms P991L.
Identifiers: ClinVar variation 2502643 (VCV002502643.1), dbSNP rs1948603580, ClinGen allele CA383992568.
Genomic context (GRCh38, chr12:13,564,266, plus strand): 5'-AAGGGTGGGTTGTCACAGTCGTAGAGCCCATCGATGGAGCTGGCACTGCCAATACTATGG[G>A]GCCGGTGGTGATGGTGGTAGTGATCTTGGTACACGTTGCTGTCCTTCAGCTGCAGGTTCC-3'
Protein context (NP_000825.2, residues 981-1001): YQDHYHHHHR[Pro991Leu]HSIGSASSID